The following is an entry in ClinVar:

ClinVar aggregate classification (germline): Uncertain significance (1 of 4 stars; one submission).

Conditions:
HPS4-related disorder. Also called: HPS4-related condition.

Submission:

PreventionGenetics, part of Exact Sciences
Classification: Uncertain significance for HPS4-related condition. Last evaluated: 2025-11-18. Review status: criteria provided, single submitter. Criteria: ACMG Guidelines, 2015. Collection method: clinical testing. Allele origin: germline.
Comment: The HPS4 c.1933G>A variant is predicted to result in the amino acid substitution p.Ala645Thr. To our knowledge, this variant has not been reported in the literature. This variant is reported in 0.0050% of alleles in individuals of East Asian descent in gnomAD. At the time of reporting, this variant is absent in ClinVar. At this time, the clinical significance of this variant is uncertain due to the absence of conclusive functional and genetic evidence.

NM_022081.6(HPS4):c.1933G>A (p.Ala645Thr)

Gene: HPS4 (HPS4 biogenesis of lysosomal organelles complex 3 subunit 2; minus strand). Cytogenetic location: 22q12.1.
Variant type: single nucleotide variant.
Coding change: c.1933G>A on transcript NM_022081.6 (MANE Select); coding-DNA position 1933, G replaced by A.
Protein change: p.Ala645Thr; replaces alanine 645 with threonine.
Molecular consequence: missense variant. On other transcripts: non-coding transcript variant (8), intron variant (2).
Genome position (GRCh38, 1-based): chr22:26,457,881, C>T on the plus strand (G>A on the coding strand, the complement: HPS4 is on the minus strand). VCF-style: chr22-26457881-C-T. GRCh37 (hg19) VCF-style: chr22-26853847-C-T.
Other names: c.1933G>A, p.Ala645Thr (NM_001349896.1, NM_001349898.2, NM_001349899.2 and 3 more transcripts); c.1987G>A, p.Ala663Thr (NM_001349900.2, NM_001349901.1); c.1918G>A, p.Ala640Thr (NM_152841.2); c.1714-4477G>A (NM_001349902.1, NM_001349903.2); short protein forms A663T, A640T, A645T.
Identifiers: ClinVar variation 4980390 (VCV004980390.1).
Genomic context (GRCh38, chr22:26,457,881, plus strand): 5'-GTGGAGAGTAGGTTGGGGAGCGACTCAGGGAGGCTCACCTGACAGTCATTTCATAAAGCG[C>T]GGGCAGCTGGGCAAATTCGCTATGCATCAGGCTGACGGCCTGGAGGAAGCGGCGATCCTG-3'
Protein context (NP_071364.4, residues 635-655): LMHSEFAQLP[Ala645Thr]LYEMTVRNAS